The following is an entry in ClinVar:

ClinVar aggregate classification (germline): Likely benign. Review status: criteria provided, multiple submitters, no conflicts (2 of 4 stars). 4 submissions from 4 submitters: Likely benign (4). Last evaluated 2024-02-20.

Conditions:
Hereditary nonpolyposis colorectal neoplasms. Identifiers: MedGen C0009405, MeSH D003123.
Hereditary cancer-predisposing syndrome. Also called: Neoplastic Syndromes, Hereditary; Tumor predisposition; Hereditary Cancer Syndrome; Hereditary neoplastic syndrome. Identifiers: Orphanet 140162, MedGen C0027672, MeSH D009386, MONDO:0015356.
Lynch syndrome. Identifiers: Orphanet 144, MedGen C4552100, MONDO:0005835. Disease mechanism: loss of function.

Submissions (4):

Labcorp Genetics (formerly Invitae), Labcorp
Classification: Likely benign for Hereditary nonpolyposis colorectal neoplasms. Last evaluated: 2024-02-20. Review status: criteria provided, single submitter. Criteria: Invitae Variant Classification Sherloc (09022015). Collection method: clinical testing. Allele origin: germline.

All of Us Research Program, National Institutes of Health
Classification: Likely benign for Lynch syndrome. Last evaluated: 2023-08-15. Review status: criteria provided, single submitter. Criteria: ACMG Guidelines, 2015. Collection method: clinical testing. Allele origin: germline. Inheritance: Autosomal dominant inheritance. Observed: 1 variant allele, 1 heterozygote.
Comment: This study involves interpretation of variants in research participants for the purpose of population health screening. Participant phenotype was not available at the time of variant classification. Additional details can be found in publication PMID: 35346344, PMCID: PMC8962531

Color Diagnostics, LLC DBA Color Health
Classification: Likely benign for Hereditary cancer-predisposing syndrome. Last evaluated: 2018-07-23. Review status: criteria provided, single submitter. Criteria: ACMG Guidelines, 2015. Collection method: clinical testing. Allele origin: germline.

Ambry Genetics
Classification: Likely benign for Hereditary cancer-predisposing syndrome. Last evaluated: 2015-09-09. Review status: criteria provided, single submitter. Criteria: Ambry Variant Classification Scheme 2023. Collection method: clinical testing. Allele origin: germline.

NM_000179.3(MSH6):c.1539C>T (p.Ile513=)

Gene: MSH6 (mutS homolog 6; plus strand). Cytogenetic location: 2p16.3.
Variant type: single nucleotide variant.
Coding change: c.1539C>T on transcript NM_000179.3 (MANE Select); coding-DNA position 1539, C replaced by T.
Protein change: p.Ile513=; no amino-acid change (isoleucine 513 retained).
Molecular consequence: synonymous variant.
Genome position (GRCh38, 1-based): chr2:47,799,522, C>T. VCF-style: chr2-47799522-C-T. GRCh37 (hg19) VCF-style: chr2-48026661-C-T.
Other names: c.1149C>T, p.Ile383= (NM_001281492.2); c.633C>T, p.Ile211= (NM_001281493.2, NM_001281494.2).
Identifiers: ClinVar variation 233814 (VCV000233814.17), dbSNP rs876660656, ClinGen allele CA10578074.